The following is an entry in ClinVar:

NM_001267550.2(TTN):c.6625A>C (p.Lys2209Gln)

Gene: TTN (titin; minus strand). Cytogenetic location: 2q31.2.
Variant type: single nucleotide variant.
Coding change: c.6625A>C on transcript NM_001267550.2 (MANE Select); coding-DNA position 6625, A replaced by C.
Protein change: p.Lys2209Gln; replaces lysine 2209 with glutamine.
Molecular consequence: missense variant.
Genome position (GRCh38, 1-based): chr2:178,775,086, T>G on the plus strand (A>C on the coding strand, the complement: TTN is on the minus strand). VCF-style: chr2-178775086-T-G. GRCh37 (hg19) VCF-style: chr2-179639813-T-G.
Other names: c.6625A>C, p.Lys2209Gln (NM_001256850.1, NM_133378.4, NM_133379.5); c.6487A>C, p.Lys2163Gln (NM_003319.4, NM_133432.3, NM_133437.4); short protein forms K2209Q, K2163Q.
Identifiers: ClinVar variation 1753789 (VCV001753789.2), dbSNP rs1260981476, ClinGen allele CA349682405.

ClinVar aggregate classification (germline): Uncertain significance (1 of 4 stars; one submission).

Conditions:
Cardiovascular phenotype. Identifiers: MedGen CN230736.

Allele frequency attached by ClinVar (database versions not stated): gnomAD exomes below 0.00001; TOPMed 0.00001.
gnomAD v4.1: 1 of 1,614,080 alleles (0.000062%); highest among the groups gnomAD compares: Non-Finnish European, 0.000085%; no homozygotes.

Submission:

Ambry Genetics
Classification: Uncertain significance for Cardiovascular phenotype. Last evaluated: 2020-05-18. Review status: criteria provided, single submitter. Criteria: Ambry Variant Classification Scheme 2023. Collection method: clinical testing. Allele origin: germline.
Comment: The p.K2163Q variant (also known as c.6487A>C), located in coding exon 27 of the TTN gene, results from an A to C substitution at nucleotide position 6487. The lysine at codon 2163 is replaced by glutamine, an amino acid with similar properties. This amino acid position is highly conserved in available vertebrate species. In addition, this alteration is predicted to be tolerated by in silico analysis. Since supporting evidence is limited at this time, the clinical significance of this alteration remains unclear.